The following is an entry in ClinVar:

NM_000038.6(APC):c.4116A>T (p.Pro1372=)

Gene: APC (APC regulator of Wnt signaling pathway; plus strand). Cytogenetic location: 5q22.2.
Variant type: single nucleotide variant.
Coding change: c.4116A>T on transcript NM_000038.6 (MANE Select); coding-DNA position 4116, A replaced by T.
Protein change: p.Pro1372=; no amino-acid change (proline 1372 retained).
Molecular consequence: synonymous variant. On other transcripts: non-coding transcript variant (2).
Genome position (GRCh38, 1-based): chr5:112,839,710, A>T. VCF-style: chr5-112839710-A-T. GRCh37 (hg19) VCF-style: chr5-112175407-A-T.
Other names: c.4116A>T, p.Pro1372= (NM_001127510.3, NM_001354895.2, NM_001407450.1); c.4062A>T, p.Pro1354= (NM_001127511.3); c.4170A>T, p.Pro1390= (NM_001354896.2, NM_001407447.1, NM_001407448.1 and 1 more transcripts); c.4146A>T, p.Pro1382= (NM_001354897.2); c.4041A>T, p.Pro1347= (NM_001354898.2); c.4032A>T, p.Pro1344= (NM_001354899.2); c.3993A>T, p.Pro1331= (NM_001354900.2); c.3939A>T, p.Pro1313= (NM_001354901.2, NM_001407453.1); and 11 more.
Identifiers: ClinVar variation 2624854 (VCV002624854.2), dbSNP rs2149906847, ClinGen allele CA445964127.

ClinVar aggregate classification (germline): Benign/Likely benign. Review status: criteria provided, multiple submitters, no conflicts (2 of 4 stars). 2 submissions from 2 submitters: Benign (1); Likely benign (1). Last evaluated 2024-03-25.

Conditions:
Hereditary cancer-predisposing syndrome. Also called: Tumor predisposition; Hereditary Cancer Syndrome; Hereditary neoplastic syndrome; Neoplastic Syndromes, Hereditary. Identifiers: Orphanet 140162, MedGen C0027672, MeSH D009386, MONDO:0015356.
Familial adenomatous polyposis 1 (FAP1). Also called: FAMILIAL ADENOMATOUS POLYPOSIS 1, ATTENUATED; POLYPOSIS, ADENOMATOUS INTESTINAL. Identifiers: MedGen C2713442, MONDO:0021056, OMIM 175100. Disease mechanism: loss of function.

Submissions (2):

Myriad Genetics, Inc.
Classification: Benign for Familial adenomatous polyposis 1. Last evaluated: 2024-03-25. Review status: criteria provided, single submitter. Criteria: Myriad Autosomal Dominant, Autosomal Recessive and X-Linked Classification Criteria (2023). Collection method: clinical testing. Allele origin: unknown.
Comment: This variant is considered benign. This variant is a silent/synonymous amino acid change and it is not expected to impact splicing.

Ambry Genetics
Classification: Likely benign for Hereditary cancer-predisposing syndrome. Last evaluated: 2023-07-29. Review status: criteria provided, single submitter. Criteria: Ambry Variant Classification Scheme 2023. Collection method: clinical testing. Allele origin: germline.